The following is an entry in ClinVar:

ClinVar aggregate classification (germline): Uncertain significance (1 of 4 stars; one submission).

Submission:

CeGaT Center for Human Genetics Tuebingen
Classification: Uncertain significance. Last evaluated: 2022-11-01. Review status: criteria provided, single submitter. Criteria: CeGaT Center For Human Genetics Tuebingen Variant Classification Criteria Version 2. Collection method: clinical testing. Allele origin: germline. Affected: yes. Observed: 1 variant allele.
Comment: ANKRD11: PM2

NM_013275.6(ANKRD11):c.226+3587C>G

Gene: ANKRD11 (ankyrin repeat domain 11; minus strand). Cytogenetic location: 16q24.3.
Variant type: single nucleotide variant.
Coding change: c.226+3587C>G on transcript NM_013275.6 (MANE Select); 3587 bases into the intron after coding-DNA position 226, C replaced by G.
Molecular consequence: intron variant.
Genome position (GRCh38, 1-based): chr16:89,301,619, G>C on the plus strand (C>G on the coding strand, the complement: ANKRD11 is on the minus strand). VCF-style: chr16-89301619-G-C. GRCh37 (hg19) VCF-style: chr16-89368027-G-C.
Other names: c.226+3587C>G (NM_001256183.2, NM_001256182.2).
Identifiers: ClinVar variation 2647100 (VCV002647100.24), dbSNP rs1030526983, ClinGen allele CA980402881.